The following is an entry in ClinVar:

ClinVar aggregate classification (germline): Benign/Likely benign. Review status: criteria provided, multiple submitters, no conflicts (2 of 4 stars). 4 submissions from 4 submitters: Benign (1); Likely benign (3). Last evaluated 2025-03-19.

Conditions:
Juvenile polyposis syndrome (JPS). Identifiers: Orphanet 2929, MedGen C0345893, MONDO:0017380, OMIM 174900.
Familial thoracic aortic aneurysm and aortic dissection (TAAD). Also called: Thoracic aortic aneurysms and dissections. Identifiers: Orphanet 91387, MedGen C4707243, MONDO:0019625.
Hereditary cancer-predisposing syndrome. Also called: Neoplastic Syndromes, Hereditary; Tumor predisposition; Hereditary Cancer Syndrome; Hereditary neoplastic syndrome. Identifiers: Orphanet 140162, MedGen C0027672, MeSH D009386, MONDO:0015356.
Juvenile polyposis/hereditary hemorrhagic telangiectasia syndrome (JPHT). Also called: Juvenile Polyposis Syndrome / Hereditary Hemorrhagic Telangiectasia (JPS/HHT); JP/HHT SYNDROME; JUVENILE POLYPOSIS WITH HEREDITARY HEMORRHAGIC TELANGIECTASIA; POLYPOSIS, GENERALIZED JUVENILE, WITH PULMONARY ARTERIOVENOUS MALFORMATION; TELANGIECTASIA, HEREDITARY HEMORRHAGIC, WITH JUVENILE POLYPOSIS COLI. Identifiers: Orphanet 2929, MedGen C1832942, MONDO:0008278, OMIM 175050.

Submissions (4):

Myriad Genetics, Inc.
Classification: Benign for Juvenile polyposis/hereditary hemorrhagic telangiectasia syndrome. Last evaluated: 2025-03-19. Review status: criteria provided, single submitter. Criteria: Myriad Autosomal Dominant, Autosomal Recessive and X-Linked Classification Criteria (2023). Collection method: clinical testing. Allele origin: unknown.
Comment: This variant is considered benign. This variant is a silent/synonymous amino acid change and it is not expected to impact splicing.

All of Us Research Program, National Institutes of Health
Classification: Likely benign for Juvenile polyposis/hereditary hemorrhagic telangiectasia syndrome. Last evaluated: 2023-07-10. Review status: criteria provided, single submitter. Criteria: ACMG Guidelines, 2015. Collection method: clinical testing. Allele origin: germline. Inheritance: Autosomal dominant inheritance. Observed: 1 variant allele, 1 heterozygote.
Comment: This study involves interpretation of variants in research participants for the purpose of population health screening. Participant phenotype was not available at the time of variant classification. Additional details can be found in publication PMID: 35346344, PMCID: PMC8962531

Labcorp Genetics (formerly Invitae), Labcorp
Classification: Likely benign for Juvenile polyposis syndrome. Last evaluated: 2022-11-22. Review status: criteria provided, single submitter. Criteria: Invitae Variant Classification Sherloc (09022015). Collection method: clinical testing. Allele origin: germline.

Ambry Genetics
Classification: Likely benign for Hereditary cancer-predisposing syndrome; Familial thoracic aortic aneurysm and aortic dissection. Last evaluated: 2021-12-08. Review status: criteria provided, single submitter. Criteria: Ambry Variant Classification Scheme 2023. Collection method: clinical testing. Allele origin: germline.

NM_005359.6(SMAD4):c.711G>T (p.Leu237=)

Gene: SMAD4 (SMAD family member 4; plus strand). Cytogenetic location: 18q21.2.
Variant type: single nucleotide variant.
Coding change: c.711G>T on transcript NM_005359.6 (MANE Select); coding-DNA position 711, G replaced by T.
Protein change: p.Leu237=; no amino-acid change (leucine 237 retained).
Molecular consequence: synonymous variant.
Genome position (GRCh38, 1-based): chr18:51,058,168, G>T. VCF-style: chr18-51058168-G-T. GRCh37 (hg19) VCF-style: chr18-48584538-G-T.
Identifiers: ClinVar variation 1550927 (VCV001550927.12), dbSNP rs2144426991, ClinGen allele CA503993846.
Genomic context (GRCh38, chr18:51,058,168, plus strand): 5'-TCTTCTTGTTCCTCTAGGTCAGCCTGCCAGTATACTGGGGGGCAGCCATAGTGAAGGACT[G>T]TTGCAGATAGCATCAGGGCCTCAGCCAGGACAGCAGCAGAATGGATTTACTGGTCAGCCA-3'
Protein context (NP_005350.1, residues 227-247): SILGGSHSEG[Leu237=]LQIASGPQPG